The following is an entry in ClinVar:

ClinVar aggregate classification (germline): Uncertain significance. Review status: criteria provided, multiple submitters, no conflicts (2 of 4 stars). 2 submissions from 2 submitters: Uncertain significance (2). Last evaluated 2023-12-10.

Conditions:
Cardiovascular phenotype. Identifiers: MedGen CN230736.
Arrhythmogenic right ventricular dysplasia 10. Also called: Arrhythmogenic Right Ventricular Dysplasia/Cardiomyopathy10; ARRHYTHMOGENIC RIGHT VENTRICULAR DYSPLASIA, FAMILIAL, 10; Arrhythmogenic right ventricular dysplasia/cardiomyopathy, type 10. Identifiers: MedGen C1857777, MONDO:0012434, OMIM 610193.

Submissions (2):

Ambry Genetics
Classification: Uncertain significance for Cardiovascular phenotype. Last evaluated: 2023-12-10. Review status: criteria provided, single submitter. Criteria: Ambry Variant Classification Scheme 2023. Collection method: clinical testing. Allele origin: germline.
Comment: The p.I85T variant (also known as c.254T>C), located in coding exon 4 of the DSG2 gene, results from a T to C substitution at nucleotide position 254. The isoleucine at codon 85 is replaced by threonine, an amino acid with similar properties. This amino acid position is conserved. In addition, the in silico prediction for this alteration is inconclusive. Since supporting evidence is limited at this time, the clinical significance of this alteration remains unclear.

Labcorp Genetics (formerly Invitae), Labcorp
Classification: Uncertain significance for Arrhythmogenic right ventricular dysplasia 10. Last evaluated: 2021-12-31. Review status: criteria provided, single submitter. Criteria: Invitae Variant Classification Sherloc (09022015). Collection method: clinical testing. Allele origin: germline.
Comment: In summary, the available evidence is currently insufficient to determine the role of this variant in disease. Therefore, it has been classified as a Variant of Uncertain Significance. Algorithms developed to predict the effect of missense changes on protein structure and function (SIFT, PolyPhen-2, Align-GVGD) all suggest that this variant is likely to be disruptive. This variant has not been reported in the literature in individuals affected with DSG2-related conditions. This variant is not present in population databases (gnomAD no frequency). This sequence change replaces isoleucine, which is neutral and non-polar, with threonine, which is neutral and polar, at codon 85 of the DSG2 protein (p.Ile85Thr).

NM_001943.5(DSG2):c.254T>C (p.Ile85Thr)

Gene: DSG2 (desmoglein 2; plus strand). Cytogenetic location: 18q12.1.
Variant type: single nucleotide variant.
Coding change: c.254T>C on transcript NM_001943.5 (MANE Select); coding-DNA position 254, T replaced by C.
Protein change: p.Ile85Thr; replaces isoleucine 85 with threonine.
Molecular consequence: missense variant.
Genome position (GRCh38, 1-based): chr18:31,520,840, T>C. VCF-style: chr18-31520840-T-C. GRCh37 (hg19) VCF-style: chr18-29100803-T-C.
Other names: short protein forms I85T.
Identifiers: ClinVar variation 1923512 (VCV001923512.6), dbSNP rs761471017, ClinGen allele CA402131318.